The following is an entry in ClinVar:

NM_001130965.3(SUN1):c.368G>C (p.Ser123Thr)

Gene: SUN1 (Sad1 and UNC84 domain containing 1; plus strand). Cytogenetic location: 7p22.3.
Variant type: single nucleotide variant.
Coding change: c.368G>C on transcript NM_001130965.3 (MANE Select); coding-DNA position 368, G replaced by C.
Protein change: p.Ser123Thr; replaces serine 123 with threonine.
Molecular consequence: missense variant. On other transcripts: 5 prime UTR variant (4), non-coding transcript variant (3).
Genome position (GRCh38, 1-based): chr7:842,047, G>C. VCF-style: chr7-842047-G-C. GRCh37 (hg19) VCF-style: chr7-881684-G-C.
Other names: c.368G>C, p.Ser123Thr (NM_001171944.2, NM_001171946.2, NM_001367633.1 and 34 more transcripts); c.431G>C, p.Ser144Thr (NM_001171945.2); c.-90G>C (NM_001367635.1); c.218G>C, p.Ser73Thr (NM_001367636.1, NM_001367637.1, NM_001367644.1 and 24 more transcripts); c.-200G>C (NM_001367639.1, NM_001367708.1); c.587G>C, p.Ser196Thr (NM_001367651.1); c.-394G>C (NM_001367658.1); c.179G>C, p.Ser60Thr (NM_001367695.1); short protein forms S123T, S60T, S144T, S73T, S196T.
Identifiers: ClinVar variation 578800 (VCV000578800.8), dbSNP rs1320668240, ClinGen allele CA366547030.

ClinVar aggregate classification (germline): Uncertain significance (1 of 4 stars; one submission).

Conditions:
Emery-Dreifuss muscular dystrophy (EDMD). Also called: Scapuloperoneal syndrome, X-linked (formerly); Humeroperoneal neuromuscular disease, (formerly). Identifiers: Orphanet 261, MedGen C0410189, MONDO:0016830.

Allele frequency attached by ClinVar (database versions not stated): gnomAD 0.00001; TOPMed 0.00001.
gnomAD v4.1: 2 of 1,614,122 alleles (0.00012%); highest among the groups gnomAD compares: Non-Finnish European, 0.00017%; no homozygotes.

Submission:

Labcorp Genetics (formerly Invitae), Labcorp
Classification: Uncertain significance for Emery-Dreifuss muscular dystrophy. Last evaluated: 2022-03-18. Review status: criteria provided, single submitter. Criteria: Invitae Variant Classification Sherloc (09022015). Collection method: clinical testing. Allele origin: germline.
Comment: Algorithms developed to predict the effect of missense changes on protein structure and function output the following: SIFT: "Tolerated"; PolyPhen-2: "Benign"; Align-GVGD: "Class C0". The threonine amino acid residue is found in multiple mammalian species, which suggests that this missense change does not adversely affect protein function. In summary, the available evidence is currently insufficient to determine the role of this variant in disease. Therefore, it has been classified as a Variant of Uncertain Significance. ClinVar contains an entry for this variant (Variation ID: 578800). This sequence change replaces serine, which is neutral and polar, with threonine, which is neutral and polar, at codon 123 of the SUN1 protein (p.Ser123Thr). This variant is not present in population databases (gnomAD no frequency). This variant has not been reported in the literature in individuals affected with SUN1-related conditions.